The following is an entry in ClinVar:

NM_005633.4(SOS1):c.*805C>A

Gene: SOS1 (SOS Ras/Rac guanine nucleotide exchange factor 1; minus strand). Cytogenetic location: 2p22.1.
Variant type: single nucleotide variant.
Coding change: c.*805C>A on transcript NM_005633.4 (MANE Select); 805 bases downstream of the stop codon, C replaced by A.
Molecular consequence: 3 prime UTR variant.
Genome position (GRCh38, 1-based): chr2:38,985,019, G>T on the plus strand (C>A on the coding strand, the complement: SOS1 is on the minus strand). VCF-style: chr2-38985019-G-T. GRCh37 (hg19) VCF-style: chr2-39212160-G-T.
Other names: c.*805C>A (NM_001382394.1, NM_001382395.1).
Identifiers: ClinVar variation 336003 (VCV000336003.8), dbSNP rs1059313, ClinGen allele CA10613335.

ClinVar aggregate classification (germline): Benign. Review status: criteria provided, multiple submitters, no conflicts (2 of 4 stars). 6 submissions from 4 submitters: Benign (6). Last evaluated 2021-05-16.

Conditions:
Noonan syndrome 4 (NS4). Also called: SOS1-Related Noonan Syndrome; NOONAN SYNDROME WITH PIGMENTED VILLONODULAR SYNOVITIS. Identifiers: Orphanet 648, MedGen C1853120, MONDO:0012547, OMIM 610733.
Fibromatosis, gingival, 1 (GINGF1). Identifiers: Orphanet 2024, MedGen C4551558, MONDO:0007609, OMIM 135300.

Allele frequency attached by ClinVar (database versions not stated): gnomAD 0.13668 and 0.14564; 1000 Genomes Project 0.14916; TOPMed 0.15513; 1000 Genomes Project 30x 0.16084.

Submissions (6):

GeneDx
Classification: Benign. Last evaluated: 2021-05-16. Review status: criteria provided, single submitter. Criteria: GeneDx Variant Classification Process June 2021. Collection method: clinical testing. Allele origin: germline. Affected: yes.

Illumina Laboratory Services, Illumina
Classification: Benign for Fibromatosis, gingival, 1. Last evaluated: 2018-01-12. Review status: criteria provided, single submitter. Criteria: ICSL Variant Classification Criteria 13 December 2019. Collection method: clinical testing. Allele origin: germline.
Comment: This variant was observed in the ICSL laboratory as part of a predisposition screen in an ostensibly healthy population. It had not been previously curated by ICSL or reported in the Human Gene Mutation Database (HGMD: prior to June 1st, 2018), and was therefore a candidate for classification through an automated scoring system. Utilizing variant allele frequency, disease prevalence and penetrance estimates, and inheritance mode, an automated score was calculated to assess if this variant is too frequent to cause the disease. Based on the score and internal cut-off values, a variant classified as benign is not then subjected to further curation. The score for this variant resulted in a classification of benign for this disease.

Illumina Laboratory Services, Illumina
Classification: Benign for Noonan syndrome 4. Last evaluated: 2018-01-12. Review status: criteria provided, single submitter. Criteria: ICSL Variant Classification Criteria 13 December 2019. Collection method: clinical testing. Allele origin: germline.
Comment: the same text as in the submission from Illumina Laboratory Services, Illumina above.

Breakthrough Genomics
Classification: Benign. Review status: criteria provided, single submitter. Criteria: ACMG Guidelines, 2015. Collection method: not provided. Allele origin: germline. Inheritance: Autosomal dominant inheritance. Affected: yes.

Genome-Nilou Lab
Classification: Benign for Noonan syndrome 4. Review status: criteria provided, single submitter. Criteria: ACMG Guidelines, 2015. Collection method: clinical testing. Allele origin: germline.

Genome-Nilou Lab
Classification: Benign for Fibromatosis, gingival, 1. Review status: criteria provided, single submitter. Criteria: ACMG Guidelines, 2015. Collection method: clinical testing. Allele origin: germline.